The following is an entry in ClinVar:

ClinVar aggregate classification (germline): Likely benign. Review status: criteria provided, multiple submitters, no conflicts (2 of 4 stars). 3 submissions from 3 submitters: Likely benign (3). Last evaluated 2026-01-20.

Conditions:
Very long chain acyl-CoA dehydrogenase deficiency (ACADVLD). Also called: VLCAD Deficiency; Very Long-Chain Acyl-Coenzyme A Dehydrogenase Deficiency. Identifiers: Orphanet 26793, MedGen C3887523, MONDO:0008723, OMIM 201475.

Allele frequency attached by ClinVar (database versions not stated): TOPMed below 0.00001; ExAC 0.00001; gnomAD 0.00001; gnomAD exomes 0.00001 and 0.00002.
gnomAD v4.1: 20 of 1,613,742 alleles (0.0012%); highest among the groups gnomAD compares: South Asian, 0.0055%; no homozygotes.

Submissions (3):

Labcorp Genetics (formerly Invitae), Labcorp
Classification: Likely benign for Very long chain acyl-CoA dehydrogenase deficiency. Last evaluated: 2026-01-20. Review status: criteria provided, single submitter. Criteria: Invitae Variant Classification Sherloc (09022015). Collection method: clinical testing. Allele origin: germline.

GeneDx
Classification: Likely benign. Last evaluated: 2020-05-19. Review status: criteria provided, single submitter. Criteria: GeneDx Variant Classification Process June 2021. Collection method: clinical testing. Allele origin: germline. Affected: yes.
Comment: This variant is associated with the following publications: (PMID: 30194637)

ARUP Laboratories, Molecular Genetics and Genomics, ARUP Laboratories
Classification: Likely benign for Very long chain acyl-CoA dehydrogenase deficiency. Last evaluated: 2018-08-09. Review status: criteria provided, single submitter. Criteria: ARUP Molecular Germline Variant Investigation Process. Collection method: clinical testing. Allele origin: germline.

NM_000018.4(ACADVL):c.864C>T (p.Phe288=)

Gene: ACADVL (acyl-CoA dehydrogenase very long chain; plus strand). Cytogenetic location: 17p13.1.
Variant type: single nucleotide variant.
Coding change: c.864C>T on transcript NM_000018.4 (MANE Select); coding-DNA position 864, C replaced by T.
Protein change: p.Phe288=; no amino-acid change (phenylalanine 288 retained).
Molecular consequence: synonymous variant.
Genome position (GRCh38, 1-based): chr17:7,222,288, C>T. VCF-style: chr17-7222288-C-T. GRCh37 (hg19) VCF-style: chr17-7125607-C-T.
Other names: c.798C>T, p.Phe266= (NM_001033859.3); c.933C>T, p.Phe311= (NM_001270447.2); c.636C>T, p.Phe212= (NM_001270448.2).
Identifiers: ClinVar variation 474904 (VCV000474904.21), dbSNP rs753748672, ClinGen allele CA8337872.